The following is an entry in ClinVar:

ClinVar aggregate classification (germline): Uncertain significance (1 of 4 stars; one submission).

Conditions:
Epidermolysis bullosa simplex 5B, with muscular dystrophy (EBS5B). Also called: EPIDERMOLYSIS BULLOSA SIMPLEX AND LIMB-GIRDLE MUSCULAR DYSTROPHY; Epidermolysis bullosa simplex with muscular dystrophy. Identifiers: Orphanet 257, MedGen C2931072, MONDO:0009181, OMIM 226670.
Epidermolysis bullosa simplex, Ogna type (EBS5A). Also called: Pidermolysis bullosa simplex 5A, Ogna type; EPIDERMOLYSIS BULLOSA SIMPLEX 5A, OGNA TYPE. Identifiers: Orphanet 79401, MedGen C0432317, MONDO:0007555, OMIM 131950.
Epidermolysis bullosa simplex 5C, with pyloric atresia (EBS5C). Also called: Epidermolysis bullosa simplex with pyloric atresia; PLEC-Related Epidermolysis Bullosa with Pyloric Atresia; PLEC1-Related Epidermolysis Bullosa with Pyloric Atresia. Identifiers: Orphanet 158684, MedGen C2677349, MONDO:0012807, OMIM 612138.
Epidermolysis bullosa simplex with nail dystrophy (EBS5D). Identifiers: MedGen C4225309, MONDO:0014661, OMIM 616487.
Autosomal recessive limb-girdle muscular dystrophy type 2Q (LGMDR17). Also called: MUSCULAR DYSTROPHY, LIMB-GIRDLE, AUTOSOMAL RECESSIVE 17. Identifiers: Orphanet 254361, MedGen C3150989, MONDO:0013390, OMIM 613723.

Allele frequency attached by ClinVar (database versions not stated): gnomAD 0.00001; gnomAD exomes 0.00002; TOPMed 0.00002; ExAC 0.00003.
gnomAD v4.1: 33 of 1,613,272 alleles (0.002%); highest among the groups gnomAD compares: Non-Finnish European, 0.0012%; no homozygotes.

Submission:

Labcorp Genetics (formerly Invitae), Labcorp
Classification: Uncertain significance for Autosomal recessive limb-girdle muscular dystrophy type 2Q; Epidermolysis bullosa simplex, Ogna type; Epidermolysis bullosa simplex with nail dystrophy; Epidermolysis bullosa simplex 5C, with pyloric atresia; Epidermolysis bullosa simplex 5B, with muscular dystrophy. Last evaluated: 2021-11-26. Review status: criteria provided, single submitter. Criteria: Invitae Variant Classification Sherloc (09022015). Collection method: clinical testing. Allele origin: germline.
Comment: In summary, the available evidence is currently insufficient to determine the role of this variant in disease. Therefore, it has been classified as a Variant of Uncertain Significance. Algorithms developed to predict the effect of missense changes on protein structure and function (SIFT, PolyPhen-2, Align-GVGD) all suggest that this variant is likely to be disruptive. ClinVar contains an entry for this variant (Variation ID: 940254). This variant has not been reported in the literature in individuals affected with PLEC-related conditions. This variant is present in population databases (rs782509992, gnomAD 0.03%). This sequence change replaces alanine, which is neutral and non-polar, with threonine, which is neutral and polar, at codon 4037 of the PLEC protein (p.Ala4037Thr).

NM_201384.3(PLEC):c.12028G>A (p.Ala4010Thr)

Gene: PLEC (plectin; minus strand). Cytogenetic location: 8q24.3.
Variant type: single nucleotide variant.
Coding change: c.12028G>A on transcript NM_201384.3 (MANE Select); coding-DNA position 12028, G replaced by A.
Protein change: p.Ala4010Thr; replaces alanine 4010 with threonine.
Molecular consequence: missense variant.
Genome position (GRCh38, 1-based): chr8:143,917,793, C>T on the plus strand (G>A on the coding strand, the complement: PLEC is on the minus strand). VCF-style: chr8-143917793-C-T. GRCh37 (hg19) VCF-style: chr8-144991961-C-T.
Other names: c.12109G>A, p.Ala4037Thr (NM_000445.5); c.11986G>A, p.Ala3996Thr (NM_201378.4); c.11962G>A, p.Ala3988Thr (NM_201379.3); c.12439G>A, p.Ala4147Thr (NM_201380.4); c.11932G>A, p.Ala3978Thr (NM_201381.3); c.12028G>A, p.Ala4010Thr (NM_201382.4); c.12040G>A, p.Ala4014Thr (NM_201383.3); short protein forms A3978T, A4010T, A3996T, A4014T, A3988T, A4037T, A4147T.
Identifiers: ClinVar variation 940254 (VCV000940254.8), dbSNP rs782509992, ClinGen allele CA4924191.